The following is an entry in ClinVar:

NM_001386393.1(PANK2):c.767C>T (p.Pro256Leu)

Gene: PANK2 (pantothenate kinase 2; plus strand). Cytogenetic location: 20p13.
Variant type: single nucleotide variant.
Coding change: c.767C>T on transcript NM_001386393.1 (MANE Select); coding-DNA position 767, C replaced by T.
Protein change: p.Pro256Leu; replaces proline 256 with leucine.
Molecular consequence: missense variant. On other transcripts: 5 prime UTR variant (1), non-coding transcript variant (1).
Genome position (GRCh38, 1-based): chr20:3,910,692, C>T. VCF-style: chr20-3910692-C-T. GRCh37 (hg19) VCF-style: chr20-3891339-C-T.
Other names: c.224C>T, p.Pro75Leu (NM_001324191.2, NM_024960.6, NM_153640.4); c.-212C>T (NM_001324193.2); c.1097C>T, p.Pro366Leu (NM_153638.4); short protein forms P75L, P256L, P366L.
Identifiers: ClinVar variation 1030293 (VCV001030293.1), dbSNP rs2090455762, ClinGen allele CA408115036.

ClinVar aggregate classification (germline): Uncertain significance (1 of 4 stars; one submission).

Conditions:
Hypoprebetalipoproteinemia, acanthocytosis, retinitis pigmentosa, and pallidal degeneration. Identifiers: MedGen C1846582, MONDO:0011798.

Submission:

Baylor Genetics
Classification: Uncertain significance for Pigmentary pallidal degeneration. Last evaluated: 2020-07-08. Review status: criteria provided, single submitter. Criteria: ACMG Guidelines, 2015. Collection method: clinical testing. Allele origin: unknown. Affected: yes.
Comment: This variant was determined to be of uncertain significance according to ACMG Guidelines, 2015 [PMID:25741868].